The following is an entry in ClinVar:

NM_001164508.2(NEB):c.17989A>T (p.Lys5997Ter)

Gene: NEB (nebulin; minus strand). Cytogenetic location: 2q23.3.
Variant type: single nucleotide variant.
Coding change: c.17989A>T on transcript NM_001164508.2 (MANE Select); coding-DNA position 17989, A replaced by T.
Protein change: p.Lys5997Ter; replaces lysine 5997 with a stop codon.
Molecular consequence: nonsense.
Genome position (GRCh38, 1-based): chr2:151,567,335, T>A on the plus strand (A>T on the coding strand, the complement: NEB is on the minus strand). VCF-style: chr2-151567335-T-A. GRCh37 (hg19) VCF-style: chr2-152423849-T-A.
Other names: c.17989A>T, p.Lys5997Ter (NM_001164507.2, NM_001271208.2); c.12886A>T, p.Lys4296Ter (NM_004543.5); short protein forms K4296*, K5997*.
Identifiers: ClinVar variation 1457395 (VCV001457395.6), dbSNP rs2153739384, ClinGen allele CA348803590.

ClinVar aggregate classification (germline): Pathogenic (1 of 4 stars; one submission).

Conditions:
Nemaline myopathy 2 (NEM2). Also called: Nemaline myopathy 2, autosomal recessive. Identifiers: MedGen C1850569, MONDO:0009725, OMIM 256030.

Submission:

Labcorp Genetics (formerly Invitae), Labcorp
Classification: Pathogenic for Nemaline myopathy 2. Last evaluated: 2021-05-18. Review status: criteria provided, single submitter. Criteria: Invitae Variant Classification Sherloc (09022015). Collection method: clinical testing. Allele origin: germline.
Comment: For these reasons, this variant has been classified as Pathogenic. This variant has not been reported in the literature in individuals with NEB-related conditions. This variant is not present in population databases (ExAC no frequency). This sequence change creates a premature translational stop signal (p.Lys5997*) in the NEB gene. It is expected to result in an absent or disrupted protein product. Loss-of-function variants in NEB are known to be pathogenic (PMID: 25205138).

Literature cited by the submitters: PubMed 25205138.